The following is an entry in ClinVar:

NM_021008.4(DEAF1):c.1684_1686del (p.Lys562del)

Gene: DEAF1 (DEAF1 transcription factor; minus strand). Cytogenetic location: 11p15.5.
Variant type: Deletion.
Coding change: c.1684_1686del on transcript NM_021008.4 (MANE Select); coding-DNA positions 1684 to 1686, 3 bases deleted (AAG; older notation c.1684_1686delAAG).
Protein change: p.Lys562del; deletes lysine 562.
Molecular consequence: inframe deletion.
Genome position (GRCh38, 1-based): chr11:644,562-644,564, CTT deleted on the plus strand (AAG on the coding strand, the reverse complement: DEAF1 is on the minus strand); deleting any 3 consecutive bases within chr11:644,562-644,566 gives the same sequence; the c. name uses the placement nearest the transcript's 3' end. VCF-style (leftmost placement, unchanged base first): chr11-644561-CCTT-C. GRCh37 (hg19) VCF-style: chr11-644561-CCTT-C.
Other names: c.1459_1461del, p.Lys487del (NM_001293634.2); c.958_960del, p.Lys320del (NM_001367390.1, NM_001440885.1, NM_001440886.1 and 1 more transcripts); c.1594_1596del, p.Lys532del (NM_001440883.1); c.1555_1557del, p.Lys519del (NM_001440884.1); short protein forms K320del, K487del, K532del, K519del, K562del.
Identifiers: ClinVar variation 5007892 (VCV005007892.2).

ClinVar aggregate classification (germline): Uncertain significance (1 of 4 stars; one submission).

Conditions:
Intellectual disability-epilepsy-extrapyramidal syndrome (NEDHELS). Also called: Dyskinesia, seizures, and intellectual developmental disorder. Identifiers: Orphanet 468620, MedGen C4310683, MONDO:0014952, OMIM 617171.
Intellectual disability, autosomal dominant 24 (VSVS). Also called: VULTO-VAN SILFHOUT-DE VRIES SYNDROME. Identifiers: MedGen C4014414, MONDO:0014357, OMIM 615828.

Submission:

Juno Genomics, Hangzhou Juno Genomics, Inc
Classification: Uncertain significance for Intellectual disability-epilepsy-extrapyramidal syndrome; Intellectual disability, autosomal dominant 24. Review status: criteria provided, single submitter. Criteria: ACMG Guidelines, 2015. Collection method: clinical testing. Allele origin: germline.
Comment: Protein length changes due to in-frame deletions/insertions in a non-repeat region or stop-loss variants.;Absent from controls (or at extremely low frequency if recessive) in Genome Aggregation Database.